The following is an entry in ClinVar:

NM_000260.4(MYO7A):c.1956C>T (p.Cys652=)

Gene: MYO7A (myosin VIIA; plus strand). Cytogenetic location: 11q13.5.
Variant type: single nucleotide variant.
Coding change: c.1956C>T on transcript NM_000260.4 (MANE Select); coding-DNA position 1956, C replaced by T.
Protein change: p.Cys652=; no amino-acid change (cysteine 652 retained).
Molecular consequence: synonymous variant.
Genome position (GRCh38, 1-based): chr11:77,174,776, C>T. VCF-style: chr11-77174776-C-T. GRCh37 (hg19) VCF-style: chr11-76885822-C-T.
Other names: c.1956C>T, p.Cys652= (NM_001127180.2); c.1923C>T, p.Cys641= (NM_001369365.1).
Identifiers: ClinVar variation 43166 (VCV000043166.14), dbSNP rs367693437, ClinGen allele CA132229.
Genomic context (GRCh38, chr11:77,174,776, plus strand): 5'-GGAGCCTTGGCCCTGATGCCCTTGGCTGTGTGCCTGGCAGCTGTTCGACCGGCACCTGTG[C>T]GTGCGCCAGCTGCGGTACTCAGGAATGATGGAGACCATCCGAATCCGCCGAGCTGGCTAC-3'
Protein context (NP_000251.3, residues 642-662): KKPMLFDRHL[Cys652=]VRQLRYSGMM

ClinVar aggregate classification (germline): Likely benign. Review status: criteria provided, multiple submitters, no conflicts (2 of 4 stars). 3 submissions from 3 submitters: Likely benign (2). 1 of the submissions does not count toward it. Last evaluated 2025-08-11.

Conditions:
Usher syndrome type 1 (USH1). Also called: RETINITIS PIGMENTOSA AND CONGENITAL DEAFNESS. Identifiers: Orphanet 231169, Orphanet 886, MedGen C1568247, MONDO:0010168, OMIM 276900.
Autosomal recessive nonsyndromic hearing loss 2. Also called: DEAFNESS, AUTOSOMAL RECESSIVE 2; NEUROSENSORY NONSYNDROMIC RECESSIVE DEAFNESS 2. Identifiers: Orphanet 90636, MedGen C1838701, MONDO:0010807, OMIM 600060.

Allele frequency attached by ClinVar (database versions not stated): TOPMed 0.00002; ESP Exome Variant Server 0.00008; gnomAD 0.00001; ExAC 0.00002.
gnomAD v4.1: 9 of 1,601,000 alleles (0.00056%); highest among the groups gnomAD compares: African/African-American, 0.0027%; no homozygotes.

Submissions (3):

Labcorp Genetics (formerly Invitae), Labcorp
Classification: Likely benign. Last evaluated: 2025-08-11. Review status: criteria provided, single submitter. Criteria: Invitae Variant Classification Sherloc (09022015). Collection method: clinical testing. Allele origin: germline.

Laboratory for Molecular Medicine, Mass General Brigham Personalized Medicine
Classification: Likely benign. Last evaluated: 2012-04-30. Review status: criteria provided, single submitter. Criteria: LMM Criteria. Collection method: clinical testing. Allele origin: germline. Observed: 1 variant allele.
Comment: Cys652Cys in Exon 17 of MYO7A: This variant is not expected to have clinical sig nificance because it does not alter an amino acid residue, is not located within the splice consensus sequence, and has been identified in 1/3388 African Americ an chromosomes from a broad population by the NHLBI Exome Sequencing Project.

Counsyl
Classification: Likely benign for Usher syndrome type 1; Autosomal recessive nonsyndromic hearing loss 2. Last evaluated: 2017-11-17. Review status: no assertion criteria provided. Collection method: clinical testing. Allele origin: unknown. Not counted in ClinVar's aggregate classification.